The following is an entry in ClinVar:

ClinVar aggregate classification (germline): Uncertain significance (1 of 4 stars; one submission).

Conditions:
Symmetrical dyschromatosis of extremities (DSH). Also called: DYSCHROMATOSIS SYMMETRICA HEREDITARIA 1; RETICULATE ACROPIGMENTATION OF DOHI; SYMMETRIC DYSCHROMATOSIS OF THE EXTREMITIES; Dyschromatosis symmetrica hereditaria. Identifiers: Orphanet 41, MedGen C0406775, MONDO:0007483, OMIM 127400.
Aicardi-Goutieres syndrome 6 (AGS6). Identifiers: Orphanet 51, MedGen C3539013, MONDO:0014007, OMIM 615010.

Submission:

Labcorp Genetics (formerly Invitae), Labcorp
Classification: Uncertain significance for Aicardi-Goutieres syndrome 6; Symmetrical dyschromatosis of extremities. Last evaluated: 2023-07-12. Review status: criteria provided, single submitter. Criteria: Invitae Variant Classification Sherloc (09022015). Collection method: clinical testing. Allele origin: germline.
Comment: An algorithm developed to predict the effect of missense changes on protein structure and function (PolyPhen-2) suggests that this variant is likely to be disruptive. This variant has not been reported in the literature in individuals affected with ADAR-related conditions. This variant is not present in population databases (gnomAD no frequency). This sequence change replaces arginine, which is basic and polar, with lysine, which is basic and polar, at codon 74 of the ADAR protein (p.Arg74Lys). In summary, the available evidence is currently insufficient to determine the role of this variant in disease. Therefore, it has been classified as a Variant of Uncertain Significance.

NM_001111.5(ADAR):c.221G>A (p.Arg74Lys)

Gene: ADAR (adenosine deaminase RNA specific; minus strand). Cytogenetic location: 1q21.3.
Variant type: single nucleotide variant.
Coding change: c.221G>A on transcript NM_001111.5 (MANE Select); coding-DNA position 221, G replaced by A.
Protein change: p.Arg74Lys; replaces arginine 74 with lysine.
Molecular consequence: missense variant. On other transcripts: 5 prime UTR variant (6).
Genome position (GRCh38, 1-based): chr1:154,602,421, C>T on the plus strand (G>A on the coding strand, the complement: ADAR is on the minus strand). VCF-style: chr1-154602421-C-T. GRCh37 (hg19) VCF-style: chr1-154574897-C-T.
Other names: c.-665G>A (NM_001025107.3, NM_001193495.2, NM_001365048.1); c.248G>A, p.Arg83Lys (NM_001365045.1); c.-529G>A (NM_001365046.1, NM_001365047.1, NM_001365049.1); c.221G>A, p.Arg74Lys (NM_015840.4, NM_015841.4); short protein forms R83K, R74K.
Identifiers: ClinVar variation 2944698 (VCV002944698.3), dbSNP rs2526670051, ClinGen allele CA342605667.
Genomic context (GRCh38, chr1:154,602,421, plus strand): 5'-GGGACACCCCTGATGTCCACTTGCCTGCCTCTGGTACTGGAGGCAAGTAGTACTGGAAAC[C>T]TTGGCCGGAGTCCTGGGAGGGAAGGTGGCAGTGACGGTGTCTGCTTTCCAATCACCGGTG-3'
Protein context (NP_001102.3, residues 64-84): LPPSLPGLRP[Arg74Lys]FPVLLASSTR